The following is an entry in ClinVar:

NC_000005.9:g.(?_131722697)_(131724733_?)del

Gene: SLC22A5 (solute carrier family 22 member 5; plus strand). Cytogenetic location: 5q31.1.
Variant type: Deletion.
Identifiers: ClinVar variation 1458137 (VCV001458137.3).

ClinVar aggregate classification (germline): Pathogenic (1 of 4 stars; one submission).

Conditions:
Renal carnitine transport defect (CDSP). Also called: Carnitine transporter deficiency; Carnitine Deficiency, Systemic; Systemic primary carnitine deficiency disease; CARNITINE DEFICIENCY, SYSTEMIC, DUE TO DEFECT IN RENAL REABSORPTION OF CARNITINE; CARNITINE TRANSPORTER, PLASMA-MEMBRANE, DEFICIENCY OF; CARNITINE UPTAKE DEFECT. Identifiers: Orphanet 158, MedGen C0342788, MONDO:0008919, OMIM 212140.

Submission:

Labcorp Genetics (formerly Invitae), Labcorp
Classification: Pathogenic for Renal carnitine transport defect. Last evaluated: 2021-10-25. Review status: criteria provided, single submitter. Criteria: Invitae Variant Classification Sherloc (09022015). Collection method: clinical testing. Allele origin: germline.
Comment: This variant is a gross deletion of the genomic region encompassing exon(s) 5-6 of the SLC22A5 gene. This variant would be expected to be in-frame, preserving the integrity of the reading frame. This variant has not been reported in the literature in individuals affected with SLC22A5-related conditions. This variant disrupts a region of the SLC22A5 protein in which other variant(s) (p.Arg282Gln) have been determined to be pathogenic (PMID: 16652335, 20574985, 21922592). This suggests that this is a clinically significant region of the protein, and that variants that disrupt it are likely to be disease-causing. For these reasons, this variant has been classified as Pathogenic.

Literature cited by the submitters: PubMed 16652335; PubMed 20574985; PubMed 21922592.